The following is an entry in ClinVar:

ClinVar aggregate classification (germline): Uncertain significance (1 of 4 stars; one submission).

Allele frequency attached by ClinVar (database versions not stated): gnomAD exomes below 0.00001.
gnomAD v4.1: 3 of 1,614,094 alleles (0.00019%); highest among the groups gnomAD compares: Non-Finnish European, 0.00025%; no homozygotes.

Submission:

Labcorp Genetics (formerly Invitae), Labcorp
Classification: Uncertain significance. Last evaluated: 2025-03-11. Review status: criteria provided, single submitter. Criteria: Invitae Variant Classification Sherloc (09022015). Collection method: clinical testing. Allele origin: germline.
Comment: This sequence change replaces asparagine, which is neutral and polar, with serine, which is neutral and polar, at codon 3756 of the HMCN1 protein (p.Asn3756Ser). This variant is not present in population databases (gnomAD no frequency). This variant has not been reported in the literature in individuals affected with HMCN1-related conditions. ClinVar contains an entry for this variant (Variation ID: 2109048). An algorithm developed to predict the effect of missense changes on protein structure and function outputs the following: PolyPhen-2: "Benign". The serine amino acid residue is found in multiple mammalian species, which suggests that this missense change does not adversely affect protein function. In summary, the available evidence is currently insufficient to determine the role of this variant in disease. Therefore, it has been classified as a Variant of Uncertain Significance.

NM_031935.3(HMCN1):c.11267A>G (p.Asn3756Ser)

Gene: HMCN1 (hemicentin 1; plus strand). Cytogenetic location: 1q31.1.
Variant type: single nucleotide variant.
Coding change: c.11267A>G on transcript NM_031935.3 (MANE Select); coding-DNA position 11267, A replaced by G.
Protein change: p.Asn3756Ser; replaces asparagine 3756 with serine.
Molecular consequence: missense variant.
Genome position (GRCh38, 1-based): chr1:186,114,114, A>G. VCF-style: chr1-186114114-A-G. GRCh37 (hg19) VCF-style: chr1-186083246-A-G.
Other names: short protein forms N3756S.
Identifiers: ClinVar variation 2109048 (VCV002109048.4), dbSNP rs2528001492, ClinGen allele CA343942101.